The following is an entry in ClinVar:

NM_000255.4(MMUT):c.1162A>G (p.Asn388Asp)

Gene: MMUT (methylmalonyl-CoA mutase; minus strand). Cytogenetic location: 6p12.3.
Variant type: single nucleotide variant.
Coding change: c.1162A>G on transcript NM_000255.4 (MANE Select); coding-DNA position 1162, A replaced by G.
Protein change: p.Asn388Asp; replaces asparagine 388 with aspartic acid.
Molecular consequence: missense variant.
Genome position (GRCh38, 1-based): chr6:49,451,636, T>C on the plus strand (A>G on the coding strand, the complement: MMUT is on the minus strand). VCF-style: chr6-49451636-T-C. GRCh37 (hg19) VCF-style: chr6-49419349-T-C.
Other names: c.1162A>G (NM_000255.3); short protein forms N388D.
Identifiers: ClinVar variation 2503908 (VCV002503908.1), dbSNP rs766010704, ClinGen allele CA3846948.

ClinVar aggregate classification (germline): Uncertain significance (1 of 4 stars; one submission).

Allele frequency attached by ClinVar (database versions not stated): TOPMed below 0.00001; ExAC 0.00001.
gnomAD v4.1: 5 of 1,614,136 alleles (0.00031%); highest among the groups gnomAD compares: East Asian, 0.011%; no homozygotes.

Submission:

Women's Health and Genetics/Laboratory Corporation of America, LabCorp
Classification: Uncertain significance. Last evaluated: 2023-04-27. Review status: criteria provided, single submitter. Criteria: LabCorp Variant Classification Summary - May 2015. Collection method: clinical testing. Allele origin: germline.
Comment: Variant summary: MUT c.1162A>G (p.Asn388Asp) results in a conservative amino acid change located in the Methylmalonyl-CoA mutase, alpha chain, catalytic (IPR006098) of the encoded protein sequence. Four of five in-silico tools predict a damaging effect of the variant on protein function. The variant allele was found at a frequency of 8e-06 in 251242 control chromosomes. The available data on variant occurrences in the general population are insufficient to allow any conclusion about variant significance. To our knowledge, no occurrence of c.1162A>G in individuals affected with Methylmalonic Acidemia and no experimental evidence demonstrating its impact on protein function have been reported. No clinical diagnostic laboratories have submitted clinical-significance assessments for this variant to ClinVar after 2014. Based on the evidence outlined above, the variant was classified as uncertain significance.